The following is an entry in ClinVar:

NM_199242.3(UNC13D):c.972C>T (p.Asp324=)

Gene: UNC13D (unc-13 homolog D; minus strand). Cytogenetic location: 17q25.1.
Variant type: single nucleotide variant.
Coding change: c.972C>T on transcript NM_199242.3 (MANE Select); coding-DNA position 972, C replaced by T.
Protein change: p.Asp324=; no amino-acid change (aspartic acid 324 retained).
Molecular consequence: synonymous variant.
Genome position (GRCh38, 1-based): chr17:75,839,922, G>A on the plus strand (C>T on the coding strand, the complement: UNC13D is on the minus strand). VCF-style: chr17-75839922-G-A. GRCh37 (hg19) VCF-style: chr17-73836003-G-A.
Identifiers: ClinVar variation 325268 (VCV000325268.25), dbSNP rs368990813, ClinGen allele CA8773178.
Genomic context (GRCh38, chr17:75,839,922, plus strand): 5'-TAGGTCCTTCTGTGTGGCGTGCAGAAAGAGGACGGTGGCAGCCTGGGGACTCAGCGACCC[G>A]TCCCAGGAGGTGCTTCCCGCCTGAGGGGAGCAGGTGGAGGAGTGTCAGGACCTGAAGGGC-3'
Protein context (NP_954712.1, residues 314-334): TQHEAGSTSW[Asp324=]GSLSPQAATV

ClinVar aggregate classification (germline): Conflicting classifications of pathogenicity. Review status: criteria provided, conflicting classifications (1 of 4 stars). 6 submissions from 6 submitters: Uncertain significance (3); Likely benign (3). Last evaluated 2026-01-21.

Conditions:
Autoinflammatory syndrome. Identifiers: Orphanet 93665, MedGen C3890737, MONDO:0019751.
Familial hemophagocytic lymphohistiocytosis 3 (FHL3). Also called: UNC13D-Related Familial Hemophagocytic Lymphohistiocytosis (UNC13D-fHLH). Identifiers: Orphanet 540, MedGen C1837174, MONDO:0012146, OMIM 608898.

Allele frequency attached by ClinVar (database versions not stated): ESP Exome Variant Server 0.00015; gnomAD exomes 0.00016 and 0.00024; ExAC 0.00017; TOPMed 0.00021; gnomAD 0.00029.
gnomAD v4.1: 376 of 1,613,618 alleles (0.023%); highest among the groups gnomAD compares: Middle Eastern, 0.082%; 1 homozygote.

Submissions (6):

Labcorp Genetics (formerly Invitae), Labcorp
Classification: Likely benign for Familial hemophagocytic lymphohistiocytosis 3. Last evaluated: 2026-01-21. Review status: criteria provided, single submitter. Criteria: Invitae Variant Classification Sherloc (09022015). Collection method: clinical testing. Allele origin: germline.

Blueprint Genetics
Classification: Likely benign. Last evaluated: 2024-10-04. Review status: criteria provided, single submitter. Criteria: ACMG Guidelines, 2015. Collection method: clinical testing. Allele origin: germline.

Genetic Services Laboratory, University of Chicago
Classification: Likely benign. Last evaluated: 2021-12-16. Review status: criteria provided, single submitter. Criteria: ACMG Guidelines, 2015. Collection method: clinical testing. Allele origin: germline. Affected: no.

Center for Genomics, Ann and Robert H. Lurie Children's Hospital of Chicago
Classification: Uncertain significance for Familial hemophagocytic lymphohistiocytosis 3. Last evaluated: 2021-03-30. Review status: criteria provided, single submitter. Criteria: ACMG Guidelines, 2015. Collection method: clinical testing. Allele origin: germline.
Comment: UNC13D NM_199242 exon 12 p.Asp324Asp (c.972C>T):This variant has not been reported in the literature but is present in 28/126298 European alleles in the Genome Aggregation Database. Evolutionary conservation and computational predictive tools for this variant are limited or unavailable. This variant is present in ClinVar (Variation ID:325268). Of note, this variant is a silent variant and does not change the amino acid, reducing the probability that this variant is disease causing. In summary, data on this variant is insufficient for disease classification. Therefore, the clinical significance of this variant is uncertain.

Genome Diagnostics Laboratory, The Hospital for Sick Children
Classification: Uncertain significance for Autoinflammatory syndrome. Last evaluated: 2020-05-01. Review status: criteria provided, single submitter. Criteria: ACMG Guidelines, 2015. Collection method: clinical testing. Allele origin: germline. Affected: yes.

Illumina Laboratory Services, Illumina
Classification: Uncertain significance for Familial hemophagocytic lymphohistiocytosis 3. Last evaluated: 2018-01-13. Review status: criteria provided, single submitter. Criteria: ICSL Variant Classification Criteria 13 December 2019. Collection method: clinical testing. Allele origin: germline.